The following is an entry in ClinVar:

ClinVar aggregate classification (germline): Uncertain significance. Review status: criteria provided, multiple submitters, no conflicts (2 of 4 stars). 2 submissions from 2 submitters: Uncertain significance (2). Last evaluated 2024-01-09.

Conditions:
Inborn genetic diseases. Identifiers: MedGen C0950123, MeSH D030342.

Allele frequency attached by ClinVar (database versions not stated): ExAC 0.00002; gnomAD 0.00002; TOPMed 0.00003; gnomAD exomes 0.00004; ESP Exome Variant Server 0.00008.

Submissions (2):

Ambry Genetics
Classification: Uncertain significance for Inborn genetic diseases. Last evaluated: 2024-01-09. Review status: criteria provided, single submitter. Criteria: Ambry Variant Classification Scheme 2023. Collection method: clinical testing. Allele origin: germline.

GeneDx
Classification: Uncertain significance. Last evaluated: 2022-09-22. Review status: criteria provided, single submitter. Criteria: GeneDx Variant Classification Process June 2021. Collection method: clinical testing. Allele origin: germline. Affected: yes.
Comment: Not observed at significant frequency in large population cohorts (gnomAD); In silico analysis supports that this missense variant has a deleterious effect on protein structure/function; Has not been previously published as pathogenic or benign to our knowledge

NM_001128159.3(VPS53):c.907G>A (p.Gly303Ser)

Gene: VPS53 (VPS53 subunit of GARP complex; minus strand). Cytogenetic location: 17p13.3.
Variant type: single nucleotide variant.
Coding change: c.907G>A on transcript NM_001128159.3 (MANE Select); coding-DNA position 907, G replaced by A.
Protein change: p.Gly303Ser; replaces glycine 303 with serine.
Molecular consequence: missense variant.
Genome position (GRCh38, 1-based): chr17:627,241, C>T on the plus strand (G>A on the coding strand, the complement: VPS53 is on the minus strand). VCF-style: chr17-627241-C-T. GRCh37 (hg19) VCF-style: chr17-530481-C-T.
Other names: c.907G>A, p.Gly303Ser (NM_001366253.2); c.313G>A, p.Gly105Ser (NM_001366254.2); c.820G>A, p.Gly274Ser (NM_018289.4); short protein forms G105S, G274S, G303S.
Identifiers: ClinVar variation 2446252 (VCV002446252.2), dbSNP rs148803634, ClinGen allele CA8261616.